The following is an entry in ClinVar:

ClinVar aggregate classification (germline): Uncertain significance (1 of 4 stars; one submission).

Allele frequency attached by ClinVar (database versions not stated): gnomAD 0.00001.
gnomAD v4.1: 1 of 1,613,762 alleles (0.000062%); highest among the groups gnomAD compares: Non-Finnish European, 0.000085%; no homozygotes.

Submission:

Labcorp Genetics (formerly Invitae), Labcorp
Classification: Uncertain significance. Last evaluated: 2022-08-19. Review status: criteria provided, single submitter. Criteria: Invitae Variant Classification Sherloc (09022015). Collection method: clinical testing. Allele origin: germline.
Comment: This sequence change replaces tyrosine, which is neutral and polar, with cysteine, which is neutral and slightly polar, at codon 263 of the SLC30A10 protein (p.Tyr263Cys). This variant is present in population databases (no rsID available, gnomAD 0.007%). This variant has not been reported in the literature in individuals affected with SLC30A10-related conditions. Algorithms developed to predict the effect of missense changes on protein structure and function (SIFT, PolyPhen-2, Align-GVGD) all suggest that this variant is likely to be disruptive. In summary, the available evidence is currently insufficient to determine the role of this variant in disease. Therefore, it has been classified as a Variant of Uncertain Significance.

NM_018713.3(SLC30A10):c.788A>G (p.Tyr263Cys)

Gene: SLC30A10 (solute carrier family 30 member 10; minus strand). Cytogenetic location: 1q41.
Variant type: single nucleotide variant.
Coding change: c.788A>G on transcript NM_018713.3 (MANE Select); coding-DNA position 788, A replaced by G.
Protein change: p.Tyr263Cys; replaces tyrosine 263 with cysteine.
Molecular consequence: missense variant. On other transcripts: non-coding transcript variant (2).
Genome position (GRCh38, 1-based): chr1:219,918,425, T>C on the plus strand (A>G on the coding strand, the complement: SLC30A10 is on the minus strand). VCF-style: chr1-219918425-T-C. GRCh37 (hg19) VCF-style: chr1-220091767-T-C.
Other names: c.599A>G, p.Tyr200Cys (NM_001376929.1); short protein forms Y200C, Y263C.
Identifiers: ClinVar variation 1716747 (VCV001716747.5), dbSNP rs1467018154, ClinGen allele CA344732867.